The following is an entry in ClinVar:

NM_001130987.2(DYSF):c.395C>G (p.Pro132Arg)

Gene: DYSF (dysferlin; plus strand). Cytogenetic location: 2p13.2.
Variant type: single nucleotide variant.
Coding change: c.395C>G on transcript NM_001130987.2 (MANE Select); coding-DNA position 395, C replaced by G.
Protein change: p.Pro132Arg; replaces proline 132 with arginine.
Molecular consequence: missense variant.
Genome position (GRCh38, 1-based): chr2:71,511,856, C>G. VCF-style: chr2-71511856-C-G. GRCh37 (hg19) VCF-style: chr2-71738986-C-G.
Other names: c.395C>G, p.Pro132Arg (NM_001130455.2, NM_001130982.2, NM_001130983.2 and 3 more transcripts); c.392C>G, p.Pro131Arg (NM_001130976.2, NM_001130977.2, NM_001130978.2 and 4 more transcripts); short protein forms P131R, P132R.
Identifiers: ClinVar variation 596826 (VCV000596826.23), dbSNP rs775881095, ClinGen allele CA1705343.

ClinVar aggregate classification (germline): Conflicting classifications of pathogenicity. Review status: criteria provided, conflicting classifications (1 of 4 stars). 7 submissions from 7 submitters: Uncertain significance (6); Likely benign (1). Last evaluated 2026-01-11.

Conditions:
Inborn genetic diseases. Identifiers: MedGen C0950123, MeSH D030342.
Autosomal recessive limb-girdle muscular dystrophy. Identifiers: Orphanet 102015, MedGen C2931907, MONDO:0015152.
Neuromuscular disease caused by qualitative or quantitative defects of dysferlin. Also called: Qualitative or quantitative defects of dysferlin; Dysferlinopathy. Identifiers: Orphanet 207073, MedGen C2931687, MONDO:0016145.

Allele frequency attached by ClinVar (database versions not stated): gnomAD 0.00009; TOPMed 0.00009; ExAC 0.00019; gnomAD exomes 0.00020.

Submissions (7):

Labcorp Genetics (formerly Invitae), Labcorp
Classification: Likely benign for Neuromuscular disease caused by qualitative or quantitative defects of dysferlin. Last evaluated: 2026-01-11. Review status: criteria provided, single submitter. Criteria: Invitae Variant Classification Sherloc (09022015). Collection method: clinical testing. Allele origin: germline.

Myriad Genetics, Inc.
Classification: Uncertain significance for Autosomal recessive limb-girdle muscular dystrophy. Last evaluated: 2025-08-07. Review status: criteria provided, single submitter. Criteria: Myriad Autosomal Dominant, Autosomal Recessive and X-Linked Classification Criteria (2023). Collection method: clinical testing. Allele origin: unknown.
Comment: NM_003494.3(DYSF):c.392C>G(P131R) is a missense variant classified as a variant of uncertain significance in the context of dysferlinopathy. P131R has been observed in a case with relevant disease (PMID: 39678382). Relevant functional assessments of this variant are not available in the literature. P131R has been observed in referenced population frequency databases. In summary, there is insufficient evidence to classify NM_003494.3(DYSF):c.392C>G(P131R) as pathogenic or benign. Please note: this variant was assessed in the context of healthy population screening.

Blueprint Genetics
Classification: Uncertain significance. Last evaluated: 2024-11-18. Review status: criteria provided, single submitter. Criteria: ACMG Guidelines, 2015. Collection method: clinical testing. Allele origin: germline.

Revvity Omics, Revvity
Classification: Uncertain significance. Last evaluated: 2022-12-19. Review status: criteria provided, single submitter. Criteria: ACMG Guidelines, 2015. Collection method: clinical testing. Allele origin: germline.

Ambry Genetics
Classification: Uncertain significance for Inborn genetic diseases. Last evaluated: 2021-11-08. Review status: criteria provided, single submitter. Criteria: Ambry Variant Classification Scheme 2023. Collection method: clinical testing. Allele origin: germline.

Eurofins Ntd Llc (ga)
Classification: Uncertain significance. Last evaluated: 2018-04-19. Review status: criteria provided, single submitter. Criteria: EGL ClinVar v180209 classification definitions. Collection method: clinical testing. Allele origin: germline. Observed: 1 variant allele, 1 heterozygote.

Illumina Laboratory Services, Illumina
Classification: Uncertain significance for Qualitative or quantitative defects of dysferlin. Last evaluated: 2018-01-13. Review status: criteria provided, single submitter. Criteria: ICSL Variant Classification Criteria 13 December 2019. Collection method: clinical testing. Allele origin: germline.

Literature cited by the submitters: PubMed 39678382 (cited by Myriad Genetics, Inc.).